The following is an entry in ClinVar:

NM_006343.3(MERTK):c.751G>C (p.Val251Leu)

Gene: MERTK (MER proto-oncogene, tyrosine kinase; plus strand). Cytogenetic location: 2q13.
Variant type: single nucleotide variant.
Coding change: c.751G>C on transcript NM_006343.3 (MANE Select); coding-DNA position 751, G replaced by C.
Protein change: p.Val251Leu; replaces valine 251 with leucine.
Molecular consequence: missense variant.
Genome position (GRCh38, 1-based): chr2:111,947,561, G>C. VCF-style: chr2-111947561-G-C. GRCh37 (hg19) VCF-style: chr2-112705138-G-C.
Other names: short protein forms V251L.
Identifiers: ClinVar variation 1969956 (VCV001969956.5), dbSNP rs1362662536, ClinGen allele CA348229348.

ClinVar aggregate classification (germline): Uncertain significance (1 of 4 stars; one submission).

Allele frequency attached by ClinVar (database versions not stated): gnomAD exomes below 0.00001; TOPMed below 0.00001; gnomAD 0.00001.
gnomAD v4.1: 3 of 1,613,938 alleles (0.00019%); highest among the groups gnomAD compares: Admixed American, 0.005%; no homozygotes.

Submission:

Labcorp Genetics (formerly Invitae), Labcorp
Classification: Uncertain significance. Last evaluated: 2023-07-17. Review status: criteria provided, single submitter. Criteria: Invitae Variant Classification Sherloc (09022015). Collection method: clinical testing. Allele origin: germline.
Comment: In summary, the available evidence is currently insufficient to determine the role of this variant in disease. Therefore, it has been classified as a Variant of Uncertain Significance. Advanced modeling of protein sequence and biophysical properties (such as structural, functional, and spatial information, amino acid conservation, physicochemical variation, residue mobility, and thermodynamic stability) performed at Invitae indicates that this missense variant is not expected to disrupt MERTK protein function. ClinVar contains an entry for this variant (Variation ID: 1969956). This variant has not been reported in the literature in individuals affected with MERTK-related conditions. This variant is present in population databases (no rsID available, gnomAD 0.006%). This sequence change replaces valine, which is neutral and non-polar, with leucine, which is neutral and non-polar, at codon 251 of the MERTK protein (p.Val251Leu).